The following is an entry in ClinVar:

ClinVar aggregate classification (germline): Uncertain significance. Review status: criteria provided, multiple submitters, no conflicts (2 of 4 stars). 2 submissions from 2 submitters: Uncertain significance (2). Last evaluated 2025-05-20.

Conditions:
Nemaline myopathy 10 (NEM10). Identifiers: MedGen C4015360, MONDO:0014513, OMIM 616165.
Inborn genetic diseases. Identifiers: MedGen C0950123, MeSH D030342.

Allele frequency attached by ClinVar (database versions not stated): gnomAD exomes below 0.00001; gnomAD 0.00004; TOPMed 0.00003.

Submissions (2):

Ambry Genetics
Classification: Uncertain significance for Inborn genetic diseases. Last evaluated: 2025-05-20. Review status: criteria provided, single submitter. Criteria: Ambry Variant Classification Scheme 2023. Collection method: clinical testing. Allele origin: germline.

Labcorp Genetics (formerly Invitae), Labcorp
Classification: Uncertain significance for Nemaline myopathy 10. Last evaluated: 2022-05-20. Review status: criteria provided, single submitter. Criteria: Invitae Variant Classification Sherloc (09022015). Collection method: clinical testing. Allele origin: germline.
Comment: In summary, the available evidence is currently insufficient to determine the role of this variant in disease. Therefore, it has been classified as a Variant of Uncertain Significance. Algorithms developed to predict the effect of missense changes on protein structure and function (SIFT, PolyPhen-2, Align-GVGD) all suggest that this variant is likely to be disruptive. This variant has not been reported in the literature in individuals affected with LMOD3-related conditions. This variant is present in population databases (no rsID available, gnomAD 0.007%). This sequence change replaces methionine, which is neutral and non-polar, with threonine, which is neutral and polar, at codon 351 of the LMOD3 protein (p.Met351Thr).

NM_198271.5(LMOD3):c.1052T>C (p.Met351Thr)

Gene: LMOD3 (leiomodin 3; minus strand). Cytogenetic location: 3p14.1.
Variant type: single nucleotide variant.
Coding change: c.1052T>C on transcript NM_198271.5 (MANE Select); coding-DNA position 1052, T replaced by C.
Protein change: p.Met351Thr; replaces methionine 351 with threonine.
Molecular consequence: missense variant.
Genome position (GRCh38, 1-based): chr3:69,119,303, A>G on the plus strand (T>C on the coding strand, the complement: LMOD3 is on the minus strand). VCF-style: chr3-69119303-A-G. GRCh37 (hg19) VCF-style: chr3-69168454-A-G.
Other names: c.1052T>C, p.Met351Thr (NM_001304418.3); c.1052T>C (NM_198271.3); short protein forms M351T.
Identifiers: ClinVar variation 2051971 (VCV002051971.5), dbSNP rs1426291441, ClinGen allele CA353473277.